The following is an entry in ClinVar:

ClinVar aggregate classification (germline): Uncertain significance (1 of 4 stars; one submission).

Conditions:
Cardiovascular phenotype. Identifiers: MedGen CN230736.

gnomAD v4.1: 1 of 1,552,780 alleles (0.000064%); highest among the groups gnomAD compares: Non-Finnish European, 0.000087%; no homozygotes.

Submission:

Ambry Genetics
Classification: Uncertain significance for Cardiovascular phenotype. Last evaluated: 2025-01-19. Review status: criteria provided, single submitter. Criteria: Ambry Variant Classification Scheme 2023. Collection method: clinical testing. Allele origin: germline.
Comment: The p.L833Q variant (also known as c.2498T>A), located in coding exon 17 of the TRPM4 gene, results from a T to A substitution at nucleotide position 2498. The leucine at codon 833 is replaced by glutamine, an amino acid with dissimilar properties. This amino acid position is conserved. In addition, the in silico prediction for this alteration is inconclusive. Based on the available evidence, the clinical significance of this variant remains unclear.

NM_017636.4(TRPM4):c.2498T>A (p.Leu833Gln)

Gene: TRPM4 (transient receptor potential cation channel subfamily M member 4; plus strand). Cytogenetic location: 19q13.33.
Variant type: single nucleotide variant.
Coding change: c.2498T>A on transcript NM_017636.4 (MANE Select); coding-DNA position 2498, T replaced by A.
Protein change: p.Leu833Gln; replaces leucine 833 with glutamine.
Molecular consequence: missense variant. On other transcripts: intron variant (1).
Genome position (GRCh38, 1-based): chr19:49,196,727, T>A. VCF-style: chr19-49196727-T-A. GRCh37 (hg19) VCF-style: chr19-49699984-T-A.
Other names: c.2153T>A, p.Leu718Gln (NM_001321281.2); c.890T>A, p.Leu297Gln (NM_001321282.2); c.1976T>A, p.Leu659Gln (NM_001321283.2); c.1436T>A, p.Leu479Gln (NM_001321285.2); c.2211-3573T>A (NM_001195227.2); short protein forms L297Q, L659Q, L479Q, L833Q, L718Q.
Identifiers: ClinVar variation 3811045 (VCV003811045.1).